The following is an entry in ClinVar:

ClinVar aggregate classification (germline): Pathogenic. Review status: criteria provided, multiple submitters, no conflicts (2 of 4 stars). 2 submissions from 2 submitters: Pathogenic (2). Last evaluated 2024-02-24.

Conditions:
Hereditary cancer-predisposing syndrome. Also called: Neoplastic Syndromes, Hereditary; Hereditary neoplastic syndrome; Tumor predisposition; Hereditary Cancer Syndrome. Identifiers: Orphanet 140162, MedGen C0027672, MeSH D009386, MONDO:0015356.
Mitochondrial complex II deficiency, nuclear type 1. Also called: SUCCINATE CoQ REDUCTASE DEFICIENCY. Identifiers: Orphanet 3208, MedGen C5700310, MONDO:0100294, OMIM 252011.
Pheochromocytoma/paraganglioma syndrome 5. Also called: Paragangliomas 5; SDHA-Related Hereditary Paraganglioma-Pheochromocytoma Syndrome. Identifiers: Orphanet 29072, MedGen C3279992, MONDO:0013602, OMIM 614165.

Allele frequency attached by ClinVar (database versions not stated): gnomAD exomes below 0.00001.
gnomAD v4.1: 2 of 1,614,014 alleles (0.00012%); highest among the groups gnomAD compares: Non-Finnish European, 0.00017%; no homozygotes.

Submissions (2):

Labcorp Genetics (formerly Invitae), Labcorp
Classification: Pathogenic for Pheochromocytoma/paraganglioma syndrome 5; Mitochondrial complex II deficiency, nuclear type 1. Last evaluated: 2024-02-24. Review status: criteria provided, single submitter. Criteria: Invitae Variant Classification Sherloc (09022015). Collection method: clinical testing. Allele origin: germline.
Comment: This sequence change creates a premature translational stop signal (p.Gln375*) in the SDHA gene. It is expected to result in an absent or disrupted protein product. Loss-of-function variants in SDHA are known to be pathogenic (PMID: 22974104, 24781757). This variant is not present in population databases (gnomAD no frequency). This variant has not been reported in the literature in individuals affected with SDHA-related conditions. ClinVar contains an entry for this variant (Variation ID: 857818). For these reasons, this variant has been classified as Pathogenic.

Ambry Genetics
Classification: Pathogenic for Hereditary cancer-predisposing syndrome. Last evaluated: 2022-07-22. Review status: criteria provided, single submitter. Criteria: Ambry Variant Classification Scheme 2023. Collection method: clinical testing. Allele origin: germline.
Comment: The p.Q375* pathogenic mutation (also known as c.1123C>T), located in coding exon 9 of the SDHA gene, results from a C to T substitution at nucleotide position 1123. This changes the amino acid from a glutamine to a stop codon within coding exon 9. This alteration has been observed in at least one individual with a personal and/or family history that is consistent with SDHA-related disease (Ambry internal data). This variant is considered to be rare based on population cohorts in the Genome Aggregation Database (gnomAD). This alteration is expected to result in loss of function by premature protein truncation or nonsense-mediated mRNA decay. As such, this alteration is interpreted as a disease-causing mutation.

Literature cited by the submitters: PubMed 22974104 (cited by Labcorp Genetics (formerly Invitae), Labcorp); PubMed 24781757 (cited by Labcorp Genetics (formerly Invitae), Labcorp).

NM_004168.4(SDHA):c.1123C>T (p.Gln375Ter)

Gene: SDHA (succinate dehydrogenase complex flavoprotein subunit A; plus strand). Cytogenetic location: 5p15.33.
Variant type: single nucleotide variant.
Coding change: c.1123C>T on transcript NM_004168.4 (MANE Select); coding-DNA position 1123, C replaced by T.
Protein change: p.Gln375Ter; replaces glutamine 375 with a stop codon.
Molecular consequence: nonsense.
Genome position (GRCh38, 1-based): chr5:235,202, C>T. VCF-style: chr5-235202-C-T. GRCh37 (hg19) VCF-style: chr5-235317-C-T.
Other names: c.979C>T, p.Gln327Ter (NM_001294332.2); c.1123C>T, p.Gln375Ter (NM_001330758.2); short protein forms Q327*, Q375*.
Identifiers: ClinVar variation 857818 (VCV000857818.10), dbSNP rs1735691933, ClinGen allele CA359013504.
Genomic context (GRCh38, chr5:235,202, plus strand): 5'-AGAGGCTGTGGCCCTGAGAAAGATCACGTCTACCTGCAGCTGCACCACCTACCTCCAGAG[C>T]AGCTGGCCACGCGCCTGCCTGGCATTTCAGAGACAGCCATGATCTTCGCTGGCGTGGACG-3'